The following is an entry in ClinVar:

NM_000057.4(BLM):c.1517C>T (p.Ala506Val)

Gene: BLM (BLM RecQ like helicase; plus strand). Cytogenetic location: 15q26.1.
Variant type: single nucleotide variant.
Coding change: c.1517C>T on transcript NM_000057.4 (MANE Select); coding-DNA position 1517, C replaced by T.
Protein change: p.Ala506Val; replaces alanine 506 with valine.
Molecular consequence: missense variant.
Genome position (GRCh38, 1-based): chr15:90,760,890, C>T. VCF-style: chr15-90760890-C-T. GRCh37 (hg19) VCF-style: chr15-91304120-C-T.
Other names: c.1517C>T, p.Ala506Val (NM_001287246.2, NM_001287247.2); c.392C>T, p.Ala131Val (NM_001287248.2); short protein forms A506V, A131V.
Identifiers: ClinVar variation 2482069 (VCV002482069.2), dbSNP rs2151158394, ClinGen allele CA393843234.

ClinVar aggregate classification (germline): Uncertain significance (1 of 4 stars; one submission).

Conditions:
Hereditary cancer-predisposing syndrome. Also called: Neoplastic Syndromes, Hereditary; Hereditary neoplastic syndrome; Tumor predisposition; Hereditary Cancer Syndrome. Identifiers: Orphanet 140162, MedGen C0027672, MeSH D009386, MONDO:0015356.

Allele frequency attached by ClinVar (database versions not stated): gnomAD exomes below 0.00001.
gnomAD v4.1: 1 of 1,613,972 alleles (0.000062%); highest among the groups gnomAD compares: Non-Finnish European, 0.000085%; no homozygotes.

Submission:

Ambry Genetics
Classification: Uncertain significance for Hereditary cancer-predisposing syndrome. Last evaluated: 2023-02-12. Review status: criteria provided, single submitter. Criteria: Ambry Variant Classification Scheme 2023. Collection method: clinical testing. Allele origin: germline.
Comment: The p.A506V variant (also known as c.1517C>T), located in coding exon 6 of the BLM gene, results from a C to T substitution at nucleotide position 1517. The alanine at codon 506 is replaced by valine, an amino acid with similar properties. This amino acid position is conserved. In addition, this alteration is predicted to be tolerated by in silico analysis. Since supporting evidence is limited at this time, the clinical significance of this alteration remains unclear.